The following is an entry in ClinVar:

NM_012233.3(RAB3GAP1):c.816C>T (p.Cys272=)

Gene: RAB3GAP1 (RAB3 GTPase activating protein catalytic subunit 1; plus strand). Cytogenetic location: 2q21.3.
Variant type: single nucleotide variant.
Coding change: c.816C>T on transcript NM_012233.3 (MANE Select); coding-DNA position 816, C replaced by T.
Protein change: p.Cys272=; no amino-acid change (cysteine 272 retained).
Molecular consequence: synonymous variant.
Genome position (GRCh38, 1-based): chr2:135,124,232, C>T. VCF-style: chr2-135124232-C-T. GRCh37 (hg19) VCF-style: chr2-135881802-C-T.
Other names: c.816C>T, p.Cys272= (NM_001172435.2).
Identifiers: ClinVar variation 211983 (VCV000211983.16), dbSNP rs199898437, ClinGen allele CA205194.

ClinVar aggregate classification (germline): Conflicting classifications of pathogenicity. Review status: criteria provided, conflicting classifications (1 of 4 stars). 3 submissions from 3 submitters: Uncertain significance (1); Likely benign (1). 1 of the submissions does not count toward it. Last evaluated 2025-12-02.

Conditions:
RAB3GAP1-related disorder. Also called: RAB3GAP1-related disorders; RAB3GAP1-related condition.

Allele frequency attached by ClinVar (database versions not stated): gnomAD 0.00005 and 0.00006; TOPMed 0.00006; ESP Exome Variant Server 0.00008; ExAC 0.00012; gnomAD exomes 0.00016.
gnomAD v4.1: 116 of 1,613,750 alleles (0.0072%); highest among the groups gnomAD compares: East Asian, 0.062%; 1 homozygote.

Submissions (3):

Labcorp Genetics (formerly Invitae), Labcorp
Classification: Likely benign. Last evaluated: 2025-12-02. Review status: criteria provided, single submitter. Criteria: Invitae Variant Classification Sherloc (09022015). Collection method: clinical testing. Allele origin: germline.

Genetic Services Laboratory, University of Chicago
Classification: Uncertain significance. Last evaluated: 2015-06-23. Review status: criteria provided, single submitter. Criteria: ACMG Guidelines, 2015. Collection method: clinical testing. Allele origin: germline.

PreventionGenetics, part of Exact Sciences
Classification: Likely benign for RAB3GAP1-related condition. Last evaluated: 2024-08-21. Review status: no assertion criteria provided. Collection method: clinical testing. Allele origin: germline. Not counted in ClinVar's aggregate classification.
Comment: This variant is classified as likely benign based on ACMG/AMP sequence variant interpretation guidelines (Richards et al. 2015 PMID: 25741868, with internal and published modifications).